The following is an entry in ClinVar:

ClinVar aggregate classification (germline): Uncertain significance (1 of 4 stars; one submission).

Conditions:
Familial cancer of breast. Also called: BREAST CANCER, FAMILIAL; hereditary breast carcinoma; Hereditary breast cancer. Identifiers: Orphanet 227535, MedGen C0346153, MONDO:0016419, OMIM 114480. Disease mechanism: loss of function.
Fanconi anemia complementation group J. Also called: BRIP1-Related Fanconi Anemia. Identifiers: Orphanet 84, MedGen C1836860, MONDO:0012187, OMIM 609054.

Submission:

Labcorp Genetics (formerly Invitae), Labcorp
Classification: Uncertain significance for Familial cancer of breast; Fanconi anemia complementation group J. Last evaluated: 2023-10-20. Review status: criteria provided, single submitter. Criteria: Invitae Variant Classification Sherloc (09022015). Collection method: clinical testing. Allele origin: germline.
Comment: This sequence change replaces proline, which is neutral and non-polar, with serine, which is neutral and polar, at codon 1101 of the BRIP1 protein (p.Pro1101Ser). This variant is not present in population databases (gnomAD no frequency). This variant has not been reported in the literature in individuals affected with BRIP1-related conditions. Algorithms developed to predict the effect of missense changes on protein structure and function output the following: SIFT: "Not Available"; PolyPhen-2: "Benign"; Align-GVGD: "Not Available". The serine amino acid residue is found in multiple mammalian species, which suggests that this missense change does not adversely affect protein function. In summary, the available evidence is currently insufficient to determine the role of this variant in disease. Therefore, it has been classified as a Variant of Uncertain Significance.

NM_032043.3(BRIP1):c.3301C>T (p.Pro1101Ser)

Gene: BRIP1 (BRCA1 interacting DNA helicase 1; minus strand). Cytogenetic location: 17q23.2.
Variant type: single nucleotide variant.
Coding change: c.3301C>T on transcript NM_032043.3 (MANE Select); coding-DNA position 3301, C replaced by T.
Protein change: p.Pro1101Ser; replaces proline 1101 with serine.
Molecular consequence: missense variant.
Genome position (GRCh38, 1-based): chr17:61,683,745, G>A on the plus strand (C>T on the coding strand, the complement: BRIP1 is on the minus strand). VCF-style: chr17-61683745-G-A. GRCh37 (hg19) VCF-style: chr17-59761106-G-A.
Other names: short protein forms P1101S.
Identifiers: ClinVar variation 2953115 (VCV002953115.3), dbSNP rs2144080994, ClinGen allele CA400479026.
Genomic context (GRCh38, chr17:61,683,745, plus strand): 5'-AATCTCTATTTGAAGTGGACTGTTTATCTTCTTCACTTACTAGAGACAATTCAATGTCTG[G>A]ATCCAGGGCTTCTTCAGAACAGAGCGGATGTTCAGAATGATTTTTTCTAGTAAGGGTGGC-3'
Protein context (NP_114432.2, residues 1091-1111): HPLCSEEALD[Pro1101Ser]DIELSLVSEE